The following is an entry in ClinVar:

ClinVar aggregate classification (germline): Pathogenic (1 of 4 stars; one submission).

Conditions:
Familial adenomatous polyposis 1 (FAP1). Also called: FAMILIAL ADENOMATOUS POLYPOSIS 1, ATTENUATED; POLYPOSIS, ADENOMATOUS INTESTINAL. Identifiers: MedGen C2713442, MONDO:0021056, OMIM 175100. Disease mechanism: loss of function.

Submission:

Myriad Genetics, Inc.
Classification: Pathogenic for Familial adenomatous polyposis 1. Last evaluated: 2023-05-04. Review status: criteria provided, single submitter. Criteria: Myriad Autosomal Dominant, Autosomal Recessive and X-Linked Classification Criteria (2023). Collection method: clinical testing. Allele origin: unknown.
Comment: This variant is considered pathogenic. This variant creates a termination codon and is predicted to result in premature protein truncation.

NM_000038.6(APC):c.2359_2360del (p.Arg786_Ser787insTer)

Gene: APC (APC regulator of Wnt signaling pathway; plus strand). Cytogenetic location: 5q22.2.
Variant type: Deletion.
Coding change: c.2359_2360del on transcript NM_000038.6 (MANE Select); coding-DNA positions 2359 to 2360, 2 bases deleted (AG; older notation c.2359_2360delAG).
Protein change: p.Arg786_Ser787insTer.
Molecular consequence: nonsense. On other transcripts: non-coding transcript variant (2).
Genome position (GRCh38, 1-based): chr5:112,837,953-112,837,954, AG deleted. VCF-style (leftmost placement, unchanged base first): chr5-112837952-TAG-T. GRCh37 (hg19) VCF-style: chr5-112173649-TAG-T.
Other names: c.2359_2360del, p.Arg786_Ser787insTer (NM_001127510.3, NM_001354895.2, NM_001407450.1); c.2305_2306del, p.Arg768_Ser769insTer (NM_001127511.3); c.2413_2414del, p.Arg804_Ser805insTer (NM_001354896.2, NM_001407447.1, NM_001407448.1 and 1 more transcripts); c.2389_2390del, p.Arg796_Ser797insTer (NM_001354897.2); c.2284_2285del, p.Arg761_Ser762insTer (NM_001354898.2); c.2275_2276del, p.Arg758_Ser759insTer (NM_001354899.2); c.2236_2237del, p.Arg745_Ser746insTer (NM_001354900.2); c.2182_2183del, p.Arg727_Ser728insTer (NM_001354901.2, NM_001407453.1); and 11 more.
Identifiers: ClinVar variation 2583971 (VCV002583971.1), dbSNP rs2533415288, ClinGen allele CA2582341459.